The following is an entry in ClinVar:

ClinVar aggregate classification (germline): Uncertain significance. Review status: criteria provided, multiple submitters, no conflicts (2 of 4 stars). 2 submissions from 2 submitters: Uncertain significance (2). Last evaluated 2022-11-03.

Allele frequency attached by ClinVar (database versions not stated): gnomAD exomes below 0.00001; ExAC 0.00001; gnomAD 0.00001.
gnomAD v4.1: 9 of 1,614,144 alleles (0.00056%); highest among the groups gnomAD compares: African/African-American, 0.0067%; no homozygotes.

Submissions (2):

Labcorp Genetics (formerly Invitae), Labcorp
Classification: Uncertain significance. Last evaluated: 2022-11-03. Review status: criteria provided, single submitter. Criteria: Invitae Variant Classification Sherloc (09022015). Collection method: clinical testing. Allele origin: germline.
Comment: In summary, the available evidence is currently insufficient to determine the role of this variant in disease. Therefore, it has been classified as a Variant of Uncertain Significance. Algorithms developed to predict the effect of missense changes on protein structure and function are either unavailable or do not agree on the potential impact of this missense change (SIFT: "Deleterious"; PolyPhen-2: "Benign"; Align-GVGD: "Class C15"). ClinVar contains an entry for this variant (Variation ID: 1016556). This variant has not been reported in the literature in individuals affected with PCARE-related conditions. This variant is present in population databases (rs751489826, gnomAD 0.007%). This sequence change replaces cysteine, which is neutral and slightly polar, with phenylalanine, which is neutral and non-polar, at codon 559 of the PCARE protein (p.Cys559Phe).

Blueprint Genetics
Classification: Uncertain significance. Last evaluated: 2021-09-29. Review status: criteria provided, single submitter. Criteria: ACMG Guidelines, 2015. Collection method: clinical testing. Allele origin: germline.

NM_001029883.3(PCARE):c.1676G>T (p.Cys559Phe)

Gene: PCARE (photoreceptor cilium actin regulator; minus strand). Cytogenetic location: 2p23.2.
Variant type: single nucleotide variant.
Coding change: c.1676G>T on transcript NM_001029883.3 (MANE Select); coding-DNA position 1676, G replaced by T.
Protein change: p.Cys559Phe; replaces cysteine 559 with phenylalanine.
Molecular consequence: missense variant.
Genome position (GRCh38, 1-based): chr2:29,072,586, C>A on the plus strand (G>T on the coding strand, the complement: PCARE is on the minus strand). VCF-style: chr2-29072586-C-A. GRCh37 (hg19) VCF-style: chr2-29295452-C-A.
Other names: short protein forms C559F.
Identifiers: ClinVar variation 1016556 (VCV001016556.9), dbSNP rs751489826, ClinGen allele CA1592376.